The following is an entry in ClinVar:

NM_014712.3(SETD1A):c.103C>T (p.Pro35Ser)

Gene: SETD1A (SET domain containing 1A, histone lysine methyltransferase; plus strand). Cytogenetic location: 16p11.2.
Variant type: single nucleotide variant.
Coding change: c.103C>T on transcript NM_014712.3 (MANE Select); coding-DNA position 103, C replaced by T.
Protein change: p.Pro35Ser; replaces proline 35 with serine.
Molecular consequence: missense variant.
Genome position (GRCh38, 1-based): chr16:30,958,834, C>T. VCF-style: chr16-30958834-C-T. GRCh37 (hg19) VCF-style: chr16-30970155-C-T.
Other names: short protein forms P35S.
Identifiers: ClinVar variation 3025831 (VCV003025831.22), dbSNP rs747917060, ClinGen allele CA8016285.

ClinVar aggregate classification (germline): Likely benign (1 of 4 stars; one submission).

Allele frequency attached by ClinVar (database versions not stated): ExAC 0.00001; gnomAD 0.00001; gnomAD exomes 0.00002; TOPMed 0.00002.

Submission:

CeGaT Center for Human Genetics Tuebingen
Classification: Likely benign. Last evaluated: 2024-01-01. Review status: criteria provided, single submitter. Criteria: CeGaT Center For Human Genetics Tuebingen Variant Classification Criteria Version 2. Collection method: clinical testing. Allele origin: germline. Affected: yes. Observed: 1 variant allele.
Comment: SETD1A: BP4